The following is an entry in ClinVar:

NM_004991.4(MECOM):c.395A>G (p.Asn132Ser)

Gene: MECOM (MDS1 and EVI1 complex locus; minus strand). Cytogenetic location: 3q26.2.
Variant type: single nucleotide variant.
Coding change: c.395A>G on transcript NM_004991.4 (MANE Select); coding-DNA position 395, A replaced by G.
Protein change: p.Asn132Ser; replaces asparagine 132 with serine.
Molecular consequence: missense variant. On other transcripts: 5 prime UTR variant (12).
Genome position (GRCh38, 1-based): chr3:169,143,813, T>C on the plus strand (A>G on the coding strand, the complement: MECOM is on the minus strand). VCF-style: chr3-169143813-T-C. GRCh37 (hg19) VCF-style: chr3-168861601-T-C.
Other names: c.23A>G, p.Asn8Ser (NM_001105077.4); c.-170A>G (NM_001105078.4, NM_001163999.2, NM_001164000.2 and 9 more transcripts); c.395A>G, p.Asn132Ser (NM_001366466.2, NM_001366473.2); short protein forms N132S, N8S.
Identifiers: ClinVar variation 3871667 (VCV003871667.1).

ClinVar aggregate classification (germline): Uncertain significance (1 of 4 stars; one submission).

Conditions:
Inborn genetic diseases. Identifiers: MedGen C0950123, MeSH D030342.

gnomAD v4.1: 1 of 1,606,848 alleles (0.000062%); highest among the groups gnomAD compares: South Asian, 0.0011%; no homozygotes.

Submission:

Ambry Genetics
Classification: Uncertain significance for Inborn genetic diseases. Last evaluated: 2025-01-05. Review status: criteria provided, single submitter. Criteria: Ambry Variant Classification Scheme 2023. Collection method: clinical testing. Allele origin: germline.
Comment: The p.N132S variant (also known as c.395A>G), located in coding exon 3 of the MECOM gene, results from an A to G substitution at nucleotide position 395. The asparagine at codon 132 is replaced by serine, an amino acid with highly similar properties. This amino acid position is conserved. In addition, this alteration is predicted to be tolerated by in silico analysis. Based on the available evidence, the clinical significance of this variant remains unclear.